The following is an entry in ClinVar:

ClinVar aggregate classification (germline): Uncertain significance (1 of 4 stars; one submission).

gnomAD v4.1: 12 of 1,613,588 alleles (0.00074%); highest among the groups gnomAD compares: Admixed American, 0.02%; no homozygotes.

Submission:

Labcorp Genetics (formerly Invitae), Labcorp
Classification: Uncertain significance. Last evaluated: 2025-01-24. Review status: criteria provided, single submitter. Criteria: Invitae Variant Classification Sherloc (09022015). Collection method: clinical testing. Allele origin: germline.
Comment: This sequence change replaces proline, which is neutral and non-polar, with serine, which is neutral and polar, at codon 609 of the DIAPH3 protein (p.Pro609Ser). This variant is present in population databases (rs778580569, gnomAD 0.04%). This variant has not been reported in the literature in individuals affected with DIAPH3-related conditions. An algorithm developed to predict the effect of missense changes on protein structure and function outputs the following: PolyPhen-2: "Benign". The serine amino acid residue is found in multiple mammalian species, which suggests that this missense change does not adversely affect protein function. In summary, the available evidence is currently insufficient to determine the role of this variant in disease. Therefore, it has been classified as a Variant of Uncertain Significance.

NM_001042517.2(DIAPH3):c.1825C>T (p.Pro609Ser)

Gene: DIAPH3 (diaphanous related formin 3; minus strand). Cytogenetic location: 13q21.2.
Variant type: single nucleotide variant.
Coding change: c.1825C>T on transcript NM_001042517.2 (MANE Select); coding-DNA position 1825, C replaced by T.
Protein change: p.Pro609Ser; replaces proline 609 with serine.
Molecular consequence: missense variant.
Genome position (GRCh38, 1-based): chr13:59,970,986, G>A on the plus strand (C>T on the coding strand, the complement: DIAPH3 is on the minus strand). VCF-style: chr13-59970986-G-A. GRCh37 (hg19) VCF-style: chr13-60545120-G-A.
Other names: c.1036C>T, p.Pro346Ser (NM_001258370.2, NM_030932.4); c.1792C>T, p.Pro598Ser (NM_001258366.2); c.1687C>T, p.Pro563Ser (NM_001258367.2); c.1615C>T, p.Pro539Ser (NM_001258368.2); c.1825C>T, p.Pro609Ser (NM_001258369.2); short protein forms P539S, P346S, P563S, P598S, P609S.
Identifiers: ClinVar variation 3718693 (VCV003718693.2).